The following is an entry in ClinVar:

ClinVar aggregate classification (germline): Likely pathogenic (1 of 4 stars; one submission).

Conditions:
Otofaciocervical syndrome 1 (OTFCS). Identifiers: MedGen C3714941, MONDO:0024532, OMIM 166780.
Branchiootic syndrome 1 (BOS1). Also called: BO SYNDROME 1; BRANCHIOOTIC DYSPLASIA. Identifiers: MedGen C1865143, MONDO:0011258, OMIM 602588.
Branchiootorenal syndrome 1. Also called: Branchio-Oto-Renal Syndrome 1. Identifiers: Orphanet 107, MedGen C4551702, MONDO:0007236, OMIM 113650.

Submission:

Juno Genomics, Hangzhou Juno Genomics, Inc
Classification: Likely pathogenic for Otofaciocervical syndrome 1; Branchiootic syndrome 1; Branchiootorenal syndrome 1. Review status: criteria provided, single submitter. Criteria: ACMG Guidelines, 2015. Collection method: clinical testing. Allele origin: germline.
Comment: Null variant in a gene where loss of function (LOF) is a known mechanism of disease.;Absent from controls (or at extremely low frequency if recessive) in Genome Aggregation Database.

NM_000503.6(EYA1):c.132dup (p.Glu45fs)

Gene: EYA1 (EYA transcriptional coactivator and phosphatase 1; minus strand). Cytogenetic location: 8q13.3.
Variant type: Duplication.
Coding change: c.132dup on transcript NM_000503.6 (MANE Select); coding-DNA position 132, one base duplicated (A; older notation c.132dupA).
Protein change: p.Glu45fs; shifts the reading frame from glutamic acid 45.
Molecular consequence: frameshift variant. On other transcripts: 5 prime UTR variant (1).
Genome position (GRCh38, 1-based): chr8:71,334,167, T duplicated on the plus strand (A on the coding strand, the reverse complement: EYA1 is on the minus strand). VCF-style (leftmost placement, unchanged base first): chr8-71334166-C-CT. GRCh37 (hg19) VCF-style: chr8-72246401-C-CT.
Other names: c.132dup, p.Glu45fs (NM_001288574.2, NM_001370334.1, NM_001370335.1 and 1 more transcripts); c.-153dup (NM_001288575.2); c.219dup, p.Glu74fs (NM_001370333.1, NM_001370336.1, NM_172059.5); c.33dup, p.Glu12fs (NM_001411797.1, NM_172060.4); short protein forms E12fs, E74fs, E45fs.
Identifiers: ClinVar variation 5007345 (VCV005007345.2).